The following is an entry in ClinVar:

NM_001039591.3(USP9X):c.7218+5G>A

Gene: USP9X (ubiquitin specific peptidase 9 X-linked; plus strand). Cytogenetic location: Xp11.4.
Variant type: single nucleotide variant.
Coding change: c.7218+5G>A on transcript NM_001039591.3 (MANE Select); 5 bases into the intron after coding-DNA position 7218, G replaced by A.
Molecular consequence: intron variant.
Genome position (GRCh38, 1-based): chrX:41,229,414, G>A. VCF-style: chrX-41229414-G-A. GRCh37 (hg19) VCF-style: chrX-41088667-G-A.
Other names: c.7233+5G>A (NM_001410748.1, NM_001410749.1); c.7218+5G>A (NM_001039590.3).
Identifiers: ClinVar variation 3776232 (VCV003776232.1).

ClinVar aggregate classification (germline): Uncertain significance (1 of 4 stars; one submission).

Conditions:
Intellectual developmental disorder, X-linked 99, syndromic, female-restricted. Also called: Intellectual disability, X-linked 99, syndromic, female-restricted. Identifiers: MedGen C4225416, MONDO:0010502, OMIM 300968.

Submission:

3billion
Classification: Uncertain significance for Intellectual developmental disorder, X-linked 99, syndromic, female-restricted. Last evaluated: 2024-02-28. Review status: criteria provided, single submitter. Criteria: ACMG Guidelines, 2015. Collection method: clinical testing. Allele origin: germline. Affected: yes.
Comment: The variant is not observed in the gnomAD v2.1.1 dataset. Predicted Consequence/Location: Intron variant In silico tools predict the variant to alter splicing and produce an abnormal transcript [SpliceAI: 0.20 (>=0.2, moderate evidence for spliceogenicity)]. Therefore, this variant is classified as VUS according to the recommendation of ACMG/AMP guideline.